The following is an entry in ClinVar:

ClinVar aggregate classification (germline): Uncertain significance (1 of 4 stars; one submission).

Submission:

Mayo Clinic Laboratories, Mayo Clinic
Classification: Uncertain significance. Last evaluated: 2023-06-01. Review status: criteria provided, single submitter. Criteria: ACMG Guidelines, 2015. Collection method: clinical testing. Allele origin: germline. Observed: 1 variant allele.
Comment: PM2

NM_025137.4(SPG11):c.6132_6133delinsGTGTGTTC (p.Lys2045delinsCysValGln)

Gene: SPG11 (SPG11 vesicle trafficking associated, spatacsin; minus strand). Cytogenetic location: 15q21.1.
Variant type: Indel.
Coding change: c.6132_6133delinsGTGTGTTC on transcript NM_025137.4 (MANE Select); coding-DNA positions 6132 to 6133, TA replaced by GTGTGTTC.
Protein change: p.Lys2045delinsCysValGln.
Molecular consequence: inframe indel. On other transcripts: intron variant (1).
Genome position (GRCh38, 1-based): chr15:44,573,619-44,573,620, TA replaced by GAACACAC on the plus strand (TA replaced by GTGTGTTC on the coding strand, the reverse complement: SPG11 is on the minus strand). VCF-style: chr15-44573619-TA-GAACACAC. GRCh37 (hg19) VCF-style: chr15-44865817-TA-GAACACAC.
Other names: p.Lys2045delinsCysValGln; c.5988_5989delinsGTGTGTTC, p.Lys1997delinsCysValGln (NM_001411132.1); c.5867-800_5867-799delinsGTGTGTTC (NM_001160227.2).
Identifiers: ClinVar variation 2683305 (VCV002683305.1), dbSNP rs2505229817, ClinGen allele CA2697554242.